The following is an entry in ClinVar:

ClinVar aggregate classification (germline): Uncertain significance. Review status: criteria provided, multiple submitters, no conflicts (2 of 4 stars). 4 submissions from 4 submitters: Uncertain significance (3). 1 of the submissions does not count toward it. Last evaluated 2025-05-01.

Conditions:
Retinal dystrophy. Also called: Inherited retinal dystrophy. Identifiers: Orphanet 71862, MedGen C0854723, MeSH D058499, MONDO:0019118, HP:0000556.

Allele frequency attached by ClinVar (database versions not stated): gnomAD 0.00002; TOPMed 0.00002.
gnomAD v4.1: 92 of 1,613,898 alleles (0.0057%); highest among the groups gnomAD compares: Non-Finnish European, 0.007%; no homozygotes.

Submissions (4):

Ambry Genetics
Classification: Uncertain significance. Last evaluated: 2025-05-01. Review status: criteria provided, single submitter. Criteria: Ambry Variant Classification Scheme 2023. Collection method: clinical testing. Allele origin: germline.

Blueprint Genetics
Classification: Uncertain significance. Last evaluated: 2023-12-21. Review status: criteria provided, single submitter. Criteria: ACMG Guidelines, 2015. Collection method: clinical testing. Allele origin: germline.

Labcorp Genetics (formerly Invitae), Labcorp
Classification: Uncertain significance. Last evaluated: 2023-09-05. Review status: criteria provided, single submitter. Criteria: Invitae Variant Classification Sherloc (09022015). Collection method: clinical testing. Allele origin: germline.
Comment: In summary, the available evidence is currently insufficient to determine the role of this variant in disease. Therefore, it has been classified as a Variant of Uncertain Significance. Advanced modeling of protein sequence and biophysical properties (such as structural, functional, and spatial information, amino acid conservation, physicochemical variation, residue mobility, and thermodynamic stability) performed at Invitae indicates that this missense variant is not expected to disrupt PITPNM3 protein function. ClinVar contains an entry for this variant (Variation ID: 859724). This variant has not been reported in the literature in individuals affected with PITPNM3-related conditions. This variant is present in population databases (rs759141007, gnomAD 0.004%). This sequence change replaces arginine, which is basic and polar, with leucine, which is neutral and non-polar, at codon 682 of the PITPNM3 protein (p.Arg682Leu).

Institute of Human Genetics, Univ. Regensburg, Univ. Regensburg
Classification: Uncertain significance for Retinal dystrophy. Last evaluated: 2023-01-01. Review status: no assertion criteria provided. Criteria: ACMG Guidelines, 2015. Collection method: clinical testing. Allele origin: germline. Affected: yes. Not counted in ClinVar's aggregate classification.

NM_031220.4(PITPNM3):c.2045G>T (p.Arg682Leu)

Gene: PITPNM3 (PITPNM family member 3; minus strand). Cytogenetic location: 17p13.2.
Variant type: single nucleotide variant.
Coding change: c.2045G>T on transcript NM_031220.4 (MANE Select); coding-DNA position 2045, G replaced by T.
Protein change: p.Arg682Leu; replaces arginine 682 with leucine.
Molecular consequence: missense variant.
Genome position (GRCh38, 1-based): chr17:6,464,281, C>A on the plus strand (G>T on the coding strand, the complement: PITPNM3 is on the minus strand). VCF-style: chr17-6464281-C-A. GRCh37 (hg19) VCF-style: chr17-6367601-C-A.
Other names: c.1937G>T, p.Arg646Leu (NM_001165966.2); short protein forms R682L, R646L.
Identifiers: ClinVar variation 859724 (VCV000859724.11), dbSNP rs759141007, ClinGen allele CA8329289.